The following is an entry in ClinVar:

ClinVar aggregate classification (germline): Uncertain significance. Review status: criteria provided, multiple submitters, no conflicts (2 of 4 stars). 3 submissions from 3 submitters: Uncertain significance (3). Last evaluated 2025-04-28.

Conditions:
Hereditary cancer-predisposing syndrome. Also called: Neoplastic Syndromes, Hereditary; Hereditary neoplastic syndrome; Tumor predisposition; Hereditary Cancer Syndrome. Identifiers: Orphanet 140162, MedGen C0027672, MeSH D009386, MONDO:0015356.
Neuroblastoma, susceptibility to, 3. Also called: ALK-Related Neuroblastic Tumor Susceptibility. Identifiers: Orphanet 635, MedGen C2751681, MONDO:0013083, OMIM 613014.

Allele frequency attached by ClinVar (database versions not stated): gnomAD exomes below 0.00001 and 0.00001; ExAC 0.00001; gnomAD 0.00001; TOPMed 0.00001.
gnomAD v4.1: 6 of 1,610,918 alleles (0.00037%); highest among the groups gnomAD compares: African/African-American, 0.0013%; no homozygotes.

Submissions (3):

Labcorp Genetics (formerly Invitae), Labcorp
Classification: Uncertain significance for Neuroblastoma, susceptibility to, 3. Last evaluated: 2025-04-28. Review status: criteria provided, single submitter. Criteria: Invitae Variant Classification Sherloc (09022015). Collection method: clinical testing. Allele origin: germline.
Comment: This sequence change replaces glycine, which is neutral and non-polar, with arginine, which is basic and polar, at codon 893 of the ALK protein (p.Gly893Arg). This variant is present in population databases (rs764014697, gnomAD 0.01%). This variant has not been reported in the literature in individuals affected with ALK-related conditions. ClinVar contains an entry for this variant (Variation ID: 843943). An algorithm developed to predict the effect of missense changes on protein structure and function (PolyPhen-2) suggests that this variant is likely to be disruptive. In summary, the available evidence is currently insufficient to determine the role of this variant in disease. Therefore, it has been classified as a Variant of Uncertain Significance.

Ambry Genetics
Classification: Uncertain significance for Hereditary cancer-predisposing syndrome. Last evaluated: 2025-03-24. Review status: criteria provided, single submitter. Criteria: Ambry Variant Classification Scheme 2023. Collection method: clinical testing. Allele origin: germline.
Comment: The p.G893R variant (also known as c.2677G>A), located in coding exon 16 of the ALK gene, results from a G to A substitution at nucleotide position 2677. The glycine at codon 893 is replaced by arginine, an amino acid with dissimilar properties. This amino acid position is highly conserved in available vertebrate species. In addition, the in silico prediction for this alteration is inconclusive. Based on the available evidence, the clinical significance of this variant remains unclear.

GeneDx
Classification: Uncertain significance. Last evaluated: 2024-01-26. Review status: criteria provided, single submitter. Criteria: GeneDx Variant Classification Process June 2021. Collection method: clinical testing. Allele origin: germline. Affected: yes.
Comment: Not observed at significant frequency in large population cohorts (gnomAD); In silico analysis supports that this missense variant has a deleterious effect on protein structure/function; Has not been previously published as pathogenic or benign to our knowledge

NM_004304.5(ALK):c.2677G>A (p.Gly893Arg)

Gene: ALK (ALK receptor tyrosine kinase; minus strand). Cytogenetic location: 2p23.2.
Variant type: single nucleotide variant.
Coding change: c.2677G>A on transcript NM_004304.5 (MANE Select); coding-DNA position 2677, G replaced by A.
Protein change: p.Gly893Arg; replaces glycine 893 with arginine.
Molecular consequence: missense variant.
Genome position (GRCh38, 1-based): chr2:29,229,022, C>T on the plus strand (G>A on the coding strand, the complement: ALK is on the minus strand). VCF-style: chr2-29229022-C-T. GRCh37 (hg19) VCF-style: chr2-29451888-C-T.
Other names: short protein forms G893R.
Identifiers: ClinVar variation 843943 (VCV000843943.9), dbSNP rs764014697, ClinGen allele CA1594218.
Genomic context (GRCh38, chr2:29,229,022, plus strand): 5'-ACTTCTTCATGGCCTGGGGGCAGGAATGTCCTCCGGTGGCACCCTCCTGCAAAGATTTTC[C>T]GGCCCAGAGCAAGGAAGTGTTATCATTCCAGCCACCTCCACCACCTGCGGGAAGAGATAG-3'
Protein context (NP_004295.2, residues 883-903): WNDNTSLLWA[Gly893Arg]KSLQEGATGG